The following is an entry in ClinVar:

NM_001282933.2(ZNF341):c.424A>C (p.Met142Leu)

Gene: ZNF341 (zinc finger protein 341; plus strand). Cytogenetic location: 20q11.22.
Variant type: single nucleotide variant.
Coding change: c.424A>C on transcript NM_001282933.2 (MANE Select); coding-DNA position 424, A replaced by C.
Protein change: p.Met142Leu; replaces methionine 142 with leucine.
Molecular consequence: missense variant. On other transcripts: non-coding transcript variant (1).
Genome position (GRCh38, 1-based): chr20:33,749,007, A>C. VCF-style: chr20-33749007-A-C. GRCh37 (hg19) VCF-style: chr20-32336813-A-C.
Other names: c.154A>C, p.Met52Leu (NM_001282935.2); c.424A>C, p.Met142Leu (NM_032819.5); short protein forms M142L, M52L.
Identifiers: ClinVar variation 2180486 (VCV002180486.1), dbSNP rs540687189, ClinGen allele CA9819162.

ClinVar aggregate classification (germline): Uncertain significance (1 of 4 stars; one submission).

Allele frequency attached by ClinVar (database versions not stated): gnomAD 0.00001; 1000 Genomes Project 30x 0.00016; 1000 Genomes Project 0.00020.

Submission:

Labcorp Genetics (formerly Invitae), Labcorp
Classification: Uncertain significance. Last evaluated: 2022-10-05. Review status: criteria provided, single submitter. Criteria: Invitae Variant Classification Sherloc (09022015). Collection method: clinical testing. Allele origin: germline.
Comment: This sequence change replaces methionine, which is neutral and non-polar, with leucine, which is neutral and non-polar, at codon 142 of the ZNF341 protein (p.Met142Leu). This variant is present in population databases (rs540687189, gnomAD 0.007%). This variant has not been reported in the literature in individuals affected with ZNF341-related conditions. Algorithms developed to predict the effect of missense changes on protein structure and function (SIFT, PolyPhen-2, Align-GVGD) all suggest that this variant is likely to be tolerated. In summary, the available evidence is currently insufficient to determine the role of this variant in disease. Therefore, it has been classified as a Variant of Uncertain Significance.